The following is an entry in ClinVar:

ClinVar aggregate classification (germline): Likely benign (1 of 4 stars; one submission).

Submission:

CeGaT Center for Human Genetics Tuebingen
Classification: Likely benign. Last evaluated: 2023-06-01. Review status: criteria provided, single submitter. Criteria: CeGaT Center For Human Genetics Tuebingen Variant Classification Criteria Version 2. Collection method: clinical testing. Allele origin: germline. Affected: yes. Observed: 1 variant allele.
Comment: ACBD5: BP4, BP7

NM_145698.5(ACBD5):c.490+1611G>T

Gene: ACBD5 (acyl-CoA binding domain containing 5; minus strand). Cytogenetic location: 10p12.1.
Variant type: single nucleotide variant.
Coding change: c.490+1611G>T on transcript NM_145698.5 (MANE Select); 1611 bases into the intron after coding-DNA position 490, G replaced by T.
Molecular consequence: intron variant.
Genome position (GRCh38, 1-based): chr10:27,221,727, C>A on the plus strand (G>T on the coding strand, the complement: ACBD5 is on the minus strand). VCF-style: chr10-27221727-C-A. GRCh37 (hg19) VCF-style: chr10-27510656-C-A.
Other names: c.490+1611G>T (NM_001352570.1, NM_001352588.1); c.163+1611G>T (NM_001301253.2, NM_001301251.2, NM_001352583.1 and 3 more transcripts); c.385+1611G>T (NM_001352580.2, NM_001352577.2, NM_001352582.2 and 3 more transcripts); c.418+1480G>T (NM_001352575.2, NM_001352574.2, NM_001352576.2); c.196+1480G>T (NM_001352585.1); c.511+1611G>T (NM_001352572.1); c.544+1480G>T (NM_001352568.1); c.523+1480G>T (NM_001352573.1, NM_001352581.1, NM_001352569.1); and 2 more.
Identifiers: ClinVar variation 2640377 (VCV002640377.24), dbSNP rs1936192832, ClinGen allele CA926167669.